The following is an entry in ClinVar:

NM_001134363.3(RBM20):c.874G>A (p.Val292Met)

Gene: RBM20 (RNA binding motif protein 20; plus strand). Cytogenetic location: 10q25.2.
Variant type: single nucleotide variant.
Coding change: c.874G>A on transcript NM_001134363.3 (MANE Select); coding-DNA position 874, G replaced by A.
Protein change: p.Val292Met; replaces valine 292 with methionine.
Molecular consequence: missense variant.
Genome position (GRCh38, 1-based): chr10:110,781,483, G>A. VCF-style: chr10-110781483-G-A. GRCh37 (hg19) VCF-style: chr10-112541241-G-A.
Other names: short protein forms V292M.
Identifiers: ClinVar variation 3619145 (VCV003619145.2).

ClinVar aggregate classification (germline): Uncertain significance (1 of 4 stars; one submission).

Conditions:
Dilated cardiomyopathy 1DD (CMD1DD). Identifiers: Orphanet 154, MedGen C2750995, MONDO:0013168, OMIM 613172.

Submission:

Labcorp Genetics (formerly Invitae), Labcorp
Classification: Uncertain significance for Dilated cardiomyopathy 1DD. Last evaluated: 2024-08-19. Review status: criteria provided, single submitter. Criteria: Invitae Variant Classification Sherloc (09022015). Collection method: clinical testing. Allele origin: germline.
Comment: This sequence change replaces valine, which is neutral and non-polar, with methionine, which is neutral and non-polar, at codon 292 of the RBM20 protein (p.Val292Met). This variant is not present in population databases (gnomAD no frequency). This variant has not been reported in the literature in individuals affected with RBM20-related conditions. Invitae Evidence Modeling of protein sequence and biophysical properties (such as structural, functional, and spatial information, amino acid conservation, physicochemical variation, residue mobility, and thermodynamic stability) indicates that this missense variant is not expected to disrupt RBM20 protein function with a negative predictive value of 95%. In summary, the available evidence is currently insufficient to determine the role of this variant in disease. Therefore, it has been classified as a Variant of Uncertain Significance.